The following is an entry in ClinVar:

NM_000245.4(MET):c.3202C>T (p.His1068Tyr)

Gene: MET (MET proto-oncogene, receptor tyrosine kinase; plus strand). Cytogenetic location: 7q31.2.
Variant type: single nucleotide variant.
Coding change: c.3202C>T on transcript NM_000245.4 (MANE Select); coding-DNA position 3202, C replaced by T.
Protein change: p.His1068Tyr; replaces histidine 1068 with tyrosine.
Molecular consequence: missense variant.
Genome position (GRCh38, 1-based): chr7:116,775,054, C>T. VCF-style: chr7-116775054-C-T. GRCh37 (hg19) VCF-style: chr7-116415108-C-T.
Other names: c.3256C>T, p.His1086Tyr (NM_001127500.3); c.1912C>T, p.His638Tyr (NM_001324402.2); short protein forms H638Y, H1086Y, H1068Y.
Identifiers: ClinVar variation 1489953 (VCV001489953.6), dbSNP rs1330566980, ClinGen allele CA368988619.

ClinVar aggregate classification (germline): Uncertain significance (1 of 4 stars; one submission).

Conditions:
Renal cell carcinoma. Identifiers: Orphanet 217071, MedGen C0007134, MeSH D002292, MONDO:0005086, HP:0005584.

Submission:

Labcorp Genetics (formerly Invitae), Labcorp
Classification: Uncertain significance for Renal cell carcinoma. Last evaluated: 2025-10-07. Review status: criteria provided, single submitter. Criteria: Invitae Variant Classification Sherloc (09022015). Collection method: clinical testing. Allele origin: germline.
Comment: This sequence change replaces histidine, which is basic and polar, with tyrosine, which is neutral and polar, at codon 1086 of the MET protein (p.His1086Tyr). This variant is not present in population databases (gnomAD no frequency). This variant has not been reported in the literature in individuals affected with MET-related conditions. ClinVar contains an entry for this variant (Variation ID: 1489953). Invitae Evidence Modeling of protein sequence and biophysical properties (such as structural, functional, and spatial information, amino acid conservation, physicochemical variation, residue mobility, and thermodynamic stability) indicates that this missense variant is expected to disrupt MET protein function with a positive predictive value of 80%. In summary, the available evidence is currently insufficient to determine the role of this variant in disease. Therefore, it has been classified as a Variant of Uncertain Significance.